The following is an entry in ClinVar:

NM_001365536.1(SCN9A):c.1514C>T (p.Ser505Leu)

Genes: SCN9A (sodium voltage-gated channel alpha subunit 9; minus strand), SCN1A-AS1 (SCN1A and SCN9A antisense RNA 1; plus strand). Cytogenetic location: 2q24.3.
Variant type: single nucleotide variant.
Coding change: c.1514C>T on transcript NM_001365536.1 (MANE Select); coding-DNA position 1514, C replaced by T.
Protein change: p.Ser505Leu; replaces serine 505 with leucine.
Molecular consequence: missense variant.
Genome position (GRCh38, 1-based): chr2:166,286,424, G>A on the plus strand (C>T on the coding strand, the complement: SCN9A is on the minus strand). VCF-style: chr2-166286424-G-A. GRCh37 (hg19) VCF-style: chr2-167142934-G-A.
Other names: c.1514C>T, p.Ser505Leu (NM_002977.4); short protein forms S505L.
Identifiers: ClinVar variation 3751569 (VCV003751569.2).
Genomic context (GRCh38, chr2:166,286,424, plus strand): 5'-TGTGCTCGCCTATGCCCTTCGACACCAAGGTGGAAACTTTTTCTTCTGATGCTGTCCTCT[G>A]ATTCTGATTTCGACAATTTCTCAGCATCTCCCTTTTCCTCTCCACTGGAGAGCTTCTTTT-3'
Protein context (NP_001352465.1, residues 495-515): GDAEKLSKSE[Ser505Leu]EDSIRRKSFH

ClinVar aggregate classification (germline): Uncertain significance (1 of 4 stars; one submission).

Conditions:
Neuropathy, hereditary sensory and autonomic, type 2A (HSAN2A). Also called: MORVAN DISEASE; NEUROPATHY, CONGENITAL SENSORY; NEUROPATHY, HEREDITARY SENSORY RADICULAR, AUTOSOMAL RECESSIVE; NEUROPATHY, HEREDITARY SENSORY, TYPE IIA; NEUROPATHY, PROGRESSIVE SENSORY, OF CHILDREN; ACROOSTEOLYSIS, GIACCAI TYPE. Identifiers: Orphanet 970, MedGen C2752089, MONDO:0024309, OMIM 201300.
Generalized epilepsy with febrile seizures plus, type 7 (GEFSP7). Also called: GEFS+, TYPE 7. Identifiers: Orphanet 36387, MedGen C2751778, MONDO:0013470, OMIM 613863.

gnomAD v4.1: 1 of 1,613,766 alleles (0.000062%); highest among the groups gnomAD compares: African/African-American, 0.0013%; no homozygotes.

Submission:

Labcorp Genetics (formerly Invitae), Labcorp
Classification: Uncertain significance for Neuropathy, hereditary sensory and autonomic, type 2A; Generalized epilepsy with febrile seizures plus, type 7. Last evaluated: 2024-07-11. Review status: criteria provided, single submitter. Criteria: Invitae Variant Classification Sherloc (09022015). Collection method: clinical testing. Allele origin: germline.
Comment: This sequence change replaces serine, which is neutral and polar, with leucine, which is neutral and non-polar, at codon 505 of the SCN9A protein (p.Ser505Leu). This variant is not present in population databases (gnomAD no frequency). This variant has not been reported in the literature in individuals affected with SCN9A-related conditions. Advanced modeling of protein sequence and biophysical properties (such as structural, functional, and spatial information, amino acid conservation, physicochemical variation, residue mobility, and thermodynamic stability) performed at Invitae indicates that this missense variant is not expected to disrupt SCN9A protein function with a negative predictive value of 95%. In summary, the available evidence is currently insufficient to determine the role of this variant in disease. Therefore, it has been classified as a Variant of Uncertain Significance.